The following is an entry in ClinVar:

ClinVar aggregate classification (germline): Conflicting classifications of pathogenicity. Review status: criteria provided, conflicting classifications (1 of 4 stars). 2 submissions from 2 submitters: Likely pathogenic (1); Uncertain significance (1). Last evaluated 2023-07-17.

Conditions:
NRL-related disorders.

Allele frequency attached by ClinVar (database versions not stated): gnomAD 0.00001 and 0.00002; TOPMed 0.00003.

Submissions (2):

Labcorp Genetics (formerly Invitae), Labcorp
Classification: Uncertain significance. Last evaluated: 2023-07-17. Review status: criteria provided, single submitter. Criteria: Invitae Variant Classification Sherloc (09022015). Collection method: clinical testing. Allele origin: germline.
Comment: ClinVar contains an entry for this variant (Variation ID: 1501823). Variants that disrupt the consensus splice site are a relatively common cause of aberrant splicing (PMID: 17576681, 9536098). Algorithms developed to predict the effect of sequence changes on RNA splicing suggest that this variant may disrupt the consensus splice site. In summary, the available evidence is currently insufficient to determine the role of this variant in disease. Therefore, it has been classified as a Variant of Uncertain Significance. This variant has not been reported in the literature in individuals affected with NRL-related conditions. This sequence change affects an acceptor splice site in intron 2 of the NRL gene. While this variant is not anticipated to result in nonsense mediated decay, it likely alters RNA splicing and results in a disrupted protein product. This variant is not present in population databases (gnomAD no frequency).

Blueprint Genetics
Classification: Likely pathogenic for NRL-related disorders. Last evaluated: 2022-11-18. Review status: criteria provided, single submitter. Criteria: ACMG Guidelines, 2015. Collection method: clinical testing. Allele origin: germline. Affected: yes. Observed: 2 variant alleles.

Literature cited by the submitters: PubMed 17576681 (cited by Labcorp Genetics (formerly Invitae), Labcorp); PubMed 9536098 (cited by Labcorp Genetics (formerly Invitae), Labcorp).

NM_001354768.3(NRL):c.382-2A>G

Gene: NRL (neural retina leucine zipper; minus strand). Cytogenetic location: 14q11.2.
Variant type: single nucleotide variant.
Coding change: c.382-2A>G on transcript NM_001354768.3 (MANE Select); the canonical splice acceptor site of the intron before coding-DNA position 382, A replaced by G.
Molecular consequence: splice acceptor variant.
Genome position (GRCh38, 1-based): chr14:24,081,570, T>C on the plus strand (A>G on the coding strand, the complement: NRL is on the minus strand). VCF-style: chr14-24081570-T-C. GRCh37 (hg19) VCF-style: chr14-24550779-T-C.
Other names: c.382-2A>G (NM_001354769.1, NM_006177.5); c.67-2A>G (NM_001354770.2).
Identifiers: ClinVar variation 1501823 (VCV001501823.9), dbSNP rs1471333851, ClinGen allele CA389279169.